The following is an entry in ClinVar:

ClinVar aggregate classification (germline): Uncertain significance (1 of 4 stars; one submission).

Conditions:
Inborn genetic diseases. Identifiers: MedGen C0950123, MeSH D030342.

Submission:

Ambry Genetics
Classification: Uncertain significance for Inborn genetic diseases. Last evaluated: 2022-04-26. Review status: criteria provided, single submitter. Criteria: Ambry Variant Classification Scheme 2023. Collection method: clinical testing. Allele origin: germline.
Comment: The p.M2241T variant (also known as c.6722T>C), located in coding exon 45 of the LRRK2 gene, results from a T to C substitution at nucleotide position 6722. The methionine at codon 2241 is replaced by threonine, an amino acid with similar properties. This amino acid position is conserved. In addition, the in silico prediction for this alteration is inconclusive. Since supporting evidence is limited at this time, the clinical significance of this alteration remains unclear.

NM_198578.4(LRRK2):c.6722T>C (p.Met2241Thr)

Gene: LRRK2 (leucine rich repeat kinase 2; plus strand). Cytogenetic location: 12q12.
Variant type: single nucleotide variant.
Coding change: c.6722T>C on transcript NM_198578.4 (MANE Select); coding-DNA position 6722, T replaced by C.
Protein change: p.Met2241Thr; replaces methionine 2241 with threonine.
Molecular consequence: missense variant.
Genome position (GRCh38, 1-based): chr12:40,354,444, T>C. VCF-style: chr12-40354444-T-C. GRCh37 (hg19) VCF-style: chr12-40748246-T-C.
Other names: short protein forms M2241T.
Identifiers: ClinVar variation 1755097 (VCV001755097.2), dbSNP rs780110050, ClinGen allele CA384409462.
Genomic context (GRCh38, chr12:40,354,444, plus strand): 5'-CTGGTACTCTCCTGGTCATCAATACCGAAGATGGGAAAAAGAGACATACCCTAGAAAAGA[T>C]GACTGATTCTGTCACTTGTTTGTATTGCAATTCCTTTTCCAAGCAAAGGTATGGTAGTGA-3'
Protein context (NP_940980.4, residues 2231-2251): DGKKRHTLEK[Met2241Thr]TDSVTCLYCN